The following is an entry in ClinVar:

NM_001079802.2(FKTN):c.257A>T (p.Asn86Ile)

Gene: FKTN (fukutin; plus strand). Cytogenetic location: 9q31.2.
Variant type: single nucleotide variant.
Coding change: c.257A>T on transcript NM_001079802.2 (MANE Select); coding-DNA position 257, A replaced by T.
Protein change: p.Asn86Ile; replaces asparagine 86 with isoleucine.
Molecular consequence: missense variant. On other transcripts: 5 prime UTR variant (4), non-coding transcript variant (2).
Genome position (GRCh38, 1-based): chr9:105,601,236, A>T. VCF-style: chr9-105601236-A-T. GRCh37 (hg19) VCF-style: chr9-108363517-A-T.
Other names: c.257A>T, p.Asn86Ile (NM_001198963.2, NM_001351496.2, NM_001351498.2 and 1 more transcripts); c.188A>T, p.Asn63Ile (NM_001351497.2); c.-258A>T (NM_001351499.2, NM_001351500.2, NM_001351501.2 and 1 more transcripts); short protein forms N63I, N86I.
Identifiers: ClinVar variation 1476859 (VCV001476859.6), dbSNP rs1295912375, ClinGen allele CA374331592.

ClinVar aggregate classification (germline): Uncertain significance (1 of 4 stars; one submission).

Conditions:
Walker-Warburg congenital muscular dystrophy. Also called: Muscular dystrophy-dystroglycanopathy, type A; Walker-Warburg syndrome. Identifiers: Orphanet 899, MedGen C0265221, MONDO:0000171.

Submission:

Labcorp Genetics (formerly Invitae), Labcorp
Classification: Uncertain significance for Walker-Warburg congenital muscular dystrophy. Last evaluated: 2022-08-16. Review status: criteria provided, single submitter. Criteria: Invitae Variant Classification Sherloc (09022015). Collection method: clinical testing. Allele origin: germline.
Comment: In summary, the available evidence is currently insufficient to determine the role of this variant in disease. Therefore, it has been classified as a Variant of Uncertain Significance. Algorithms developed to predict the effect of missense changes on protein structure and function are either unavailable or do not agree on the potential impact of this missense change (SIFT: "Deleterious"; PolyPhen-2: "Benign"; Align-GVGD: "Class C0"). ClinVar contains an entry for this variant (Variation ID: 1476859). This variant has not been reported in the literature in individuals affected with FKTN-related conditions. This variant is not present in population databases (gnomAD no frequency). This sequence change replaces asparagine, which is neutral and polar, with isoleucine, which is neutral and non-polar, at codon 86 of the FKTN protein (p.Asn86Ile).